The following is an entry in ClinVar:

ClinVar aggregate classification (germline): Benign. Review status: criteria provided, multiple submitters, no conflicts (2 of 4 stars). 5 submissions from 5 submitters: Benign (4). 1 of the submissions does not count toward it. Last evaluated 2026-02-03.

Conditions:
Hereditary spastic paraplegia 50 (SPG50). Also called: Spastic paraplegia 50, autosomal recessive. Identifiers: Orphanet 280763, MedGen C2752008, MONDO:0013048, OMIM 612936.

Allele frequency attached by ClinVar (database versions not stated): 1000 Genomes Project 0.03095; 1000 Genomes Project 30x 0.03107; TOPMed 0.06068; ExAC 0.06865; gnomAD 0.06867 and 0.07094; gnomAD exomes 0.06939; ESP Exome Variant Server 0.07235.
gnomAD v4.1: 143,990 of 1,613,892 alleles (8.9%); highest among the groups gnomAD compares: Non-Finnish European, 10%; 7,301 homozygotes.

Submissions (5):

Labcorp Genetics (formerly Invitae), Labcorp
Classification: Benign for Hereditary spastic paraplegia 50. Last evaluated: 2026-02-03. Review status: criteria provided, single submitter. Criteria: Invitae Variant Classification Sherloc (09022015). Collection method: clinical testing. Allele origin: germline.

Mayo Clinic Laboratories, Mayo Clinic
Classification: Benign. Last evaluated: 2017-07-24. Review status: criteria provided, single submitter. Criteria: ACMG Guidelines, 2015. Collection method: clinical testing. Allele origin: germline. Observed: 153 variant alleles.

GeneDx
Classification: Benign. Last evaluated: 2016-03-03. Review status: criteria provided, single submitter. Criteria: GeneDx Variant Classification (06012015). Collection method: clinical testing. Allele origin: germline. Affected: yes.
Comment: This variant is considered likely benign or benign based on one or more of the following criteria: it is a conservative change, it occurs at a poorly conserved position in the protein, it is predicted to be benign by multiple in silico algorithms, and/or has population frequency not consistent with disease.

Breakthrough Genomics
Classification: Benign. Review status: criteria provided, single submitter. Criteria: ACMG Guidelines, 2015. Collection method: not provided. Allele origin: germline. Inheritance: Autosomal recessive inheritance. Affected: yes.

Genetic Services Laboratory, University of Chicago
Classification: Likely benign for AllHighlyPenetrant. Review status: no assertion criteria provided. Collection method: clinical testing. Allele origin: germline. Inheritance: Autosomal recessive inheritance. Not counted in ClinVar's aggregate classification.
Comment: Likely benign based on allele frequency in 1000 Genomes Project or ESP global frequency and its presence in a patient with a rare or unrelated disease phenotype. NOT Sanger confirmed.

NM_004722.4(AP4M1):c.812G>A (p.Arg271His)

Gene: AP4M1 (adaptor related protein complex 4 subunit mu 1; plus strand). Cytogenetic location: 7q22.1.
Variant type: single nucleotide variant.
Coding change: c.812G>A on transcript NM_004722.4 (MANE Select); coding-DNA position 812, G replaced by A.
Protein change: p.Arg271His; replaces arginine 271 with histidine.
Molecular consequence: missense variant.
Genome position (GRCh38, 1-based): chr7:100,105,324, G>A. VCF-style: chr7-100105324-G-A. GRCh37 (hg19) VCF-style: chr7-99702947-G-A.
Other names: p.Arg271His; c.833G>A, p.Arg278His (NM_001363671.2); short protein forms R271H, R278H.
Identifiers: ClinVar variation 128405 (VCV000128405.16), dbSNP rs41280968, ClinGen allele CA151853.